The following is an entry in ClinVar:

ClinVar aggregate classification (germline): Uncertain significance (1 of 4 stars; one submission).

Submission:

GeneDx
Classification: Uncertain significance. Last evaluated: 2025-01-03. Review status: criteria provided, single submitter. Criteria: GeneDx Variant Classification Process June 2021. Collection method: clinical testing. Allele origin: germline. Affected: yes.
Comment: Not observed at significant frequency in large population cohorts (gnomAD); In silico analysis supports that this missense variant has a deleterious effect on protein structure/function; Has not been previously published as pathogenic or benign to our knowledge

NM_020987.5(ANK3):c.9560A>G (p.Asp3187Gly)

Gene: ANK3 (ankyrin 3; minus strand). Cytogenetic location: 10q21.2.
Variant type: single nucleotide variant.
Coding change: c.9560A>G on transcript NM_020987.5 (MANE Select); coding-DNA position 9560, A replaced by G.
Protein change: p.Asp3187Gly; replaces aspartic acid 3187 with glycine.
Molecular consequence: missense variant. On other transcripts: intron variant (4).
Genome position (GRCh38, 1-based): chr10:60,071,321, T>C on the plus strand (A>G on the coding strand, the complement: ANK3 is on the minus strand). VCF-style: chr10-60071321-T-C. GRCh37 (hg19) VCF-style: chr10-61831079-T-C.
Other names: c.4388-3312A>G (NM_001204403.2); c.4409-3312A>G (NM_001204404.2); c.4406-3312A>G (NM_001320874.2); c.1808-3312A>G (NM_001149.4); short protein forms D3187G.
Identifiers: ClinVar variation 4056894 (VCV004056894.1).